The following is an entry in ClinVar:

ClinVar aggregate classification (germline): Uncertain significance. Review status: criteria provided, multiple submitters, no conflicts (2 of 4 stars). 2 submissions from 2 submitters: Uncertain significance (2). Last evaluated 2023-01-03.

Conditions:
Tuberous sclerosis 2 (TSC2). Identifiers: Orphanet 805, MedGen C1860707, MONDO:0013199, OMIM 613254.
Hereditary cancer-predisposing syndrome. Also called: Hereditary neoplastic syndrome; Tumor predisposition; Neoplastic Syndromes, Hereditary; Hereditary Cancer Syndrome. Identifiers: Orphanet 140162, MedGen C0027672, MeSH D009386, MONDO:0015356.

Submissions (2):

Ambry Genetics
Classification: Uncertain significance for Hereditary cancer-predisposing syndrome. Last evaluated: 2023-01-03. Review status: criteria provided, single submitter. Criteria: Ambry Variant Classification Scheme 2023. Collection method: clinical testing. Allele origin: germline.
Comment: The p.I833M variant (also known as c.2499C>G), located in coding exon 21 of the TSC2 gene, results from a C to G substitution at nucleotide position 2499. The isoleucine at codon 833 is replaced by methionine, an amino acid with highly similar properties. This amino acid position is conserved. In addition, this alteration is predicted to be deleterious by in silico analysis. Since supporting evidence is limited at this time, the clinical significance of this alteration remains unclear.

Labcorp Genetics (formerly Invitae), Labcorp
Classification: Uncertain significance for Tuberous sclerosis 2. Last evaluated: 2022-12-31. Review status: criteria provided, single submitter. Criteria: Invitae Variant Classification Sherloc (09022015). Collection method: clinical testing. Allele origin: germline.
Comment: In summary, the available evidence is currently insufficient to determine the role of this variant in disease. Therefore, it has been classified as a Variant of Uncertain Significance. Advanced modeling of protein sequence and biophysical properties (such as structural, functional, and spatial information, amino acid conservation, physicochemical variation, residue mobility, and thermodynamic stability) performed at Invitae indicates that this missense variant is not expected to disrupt TSC2 protein function. This variant has not been reported in the literature in individuals affected with TSC2-related conditions. This variant is not present in population databases (gnomAD no frequency). This sequence change replaces isoleucine, which is neutral and non-polar, with methionine, which is neutral and non-polar, at codon 833 of the TSC2 protein (p.Ile833Met).

NM_000548.5(TSC2):c.2499C>G (p.Ile833Met)

Gene: TSC2 (TSC complex subunit 2; plus strand). Cytogenetic location: 16p13.3.
Variant type: single nucleotide variant.
Coding change: c.2499C>G on transcript NM_000548.5 (MANE Select); coding-DNA position 2499, C replaced by G.
Protein change: p.Ile833Met; replaces isoleucine 833 with methionine.
Molecular consequence: missense variant. On other transcripts: non-coding transcript variant (5).
Genome position (GRCh38, 1-based): chr16:2,074,343, C>G. VCF-style: chr16-2074343-C-G. GRCh37 (hg19) VCF-style: chr16-2124344-C-G.
Other names: c.2499C>G, p.Ile833Met (NM_001077183.3, NM_001114382.3, NM_001363528.2 and 6 more transcripts); c.2388C>G, p.Ile796Met (NM_001318827.2, NM_001406670.1, NM_001406678.1); c.2352C>G, p.Ile784Met (NM_001318829.2, NM_001406675.1, NM_001406676.1 and 1 more transcripts); c.1899C>G, p.Ile633Met (NM_001318831.2, NM_001406680.1, NM_001406682.1 and 6 more transcripts); c.2532C>G, p.Ile844Met (NM_001318832.2); c.2589C>G, p.Ile863Met (NM_001406667.1, NM_001406668.1); c.2487C>G, p.Ile829Met (NM_001406671.1, NM_001406673.1); c.2442C>G, p.Ile814Met (NM_001406677.1); and 3 more; short protein forms I299M, I385M, I679M, I833M, I784M, I796M, I844M, I633M.
Identifiers: ClinVar variation 2449975 (VCV002449975.5), dbSNP rs2151354582, ClinGen allele CA394277825.
Genomic context (GRCh38, chr16:2,074,343, plus strand): 5'-GGAGATGCCTGACATCATCATCAAGGCGCTGCCTGTTCTGGTGGTGAAGCTCACGCACAT[C>G]TCAGCCACAGCCAGCATGGCCGTCCCACTGCTGGAGTTCCTGTCCAGTGAGTCCCCGCCC-3'
Protein context (NP_000539.2, residues 823-843): LPVLVVKLTH[Ile833Met]SATASMAVPL